The following is an entry in ClinVar:

ClinVar aggregate classification (germline): Uncertain significance (1 of 4 stars; one submission).

gnomAD v4.1: 4 of 1,613,374 alleles (0.00025%); highest among the groups gnomAD compares: African/African-American, 0.004%; no homozygotes.

Submission:

Ambry Genetics
Classification: Uncertain significance. Last evaluated: 2025-02-08. Review status: criteria provided, single submitter. Criteria: Ambry Variant Classification Scheme 2023. Collection method: clinical testing. Allele origin: germline.
Comment: The p.T2046M variant (also known as c.6137C>T), located in coding exon 25 of the WNK2 gene, results from a C to T substitution at nucleotide position 6137. The threonine at codon 2046 is replaced by methionine, an amino acid with similar properties. This amino acid position is conserved. In addition, the in silico prediction for this alteration is inconclusive. Based on the available evidence, the clinical significance of this variant remains unclear.

NM_006648.4(WNK2):c.6137C>T (p.Thr2046Met)

Gene: WNK2 (WNK lysine deficient protein kinase 2; plus strand). Cytogenetic location: 9q22.31.
Variant type: single nucleotide variant.
Coding change: c.6137C>T on transcript NM_006648.4 (MANE Select); coding-DNA position 6137, C replaced by T.
Protein change: p.Thr2046Met; replaces threonine 2046 with methionine.
Molecular consequence: missense variant.
Genome position (GRCh38, 1-based): chr9:93,300,072, C>T. VCF-style: chr9-93300072-C-T. GRCh37 (hg19) VCF-style: chr9-96062354-C-T.
Other names: c.6248C>T, p.Thr2083Met (NM_001282394.3); short protein forms T2046M, T2083M.
Identifiers: ClinVar variation 3817034 (VCV003817034.1).